The following is an entry in ClinVar:

ClinVar aggregate classification (germline): Uncertain significance (1 of 4 stars; one submission).

Conditions:
Mulibrey nanism syndrome. Also called: MUSCLE-LIVER-BRAIN-EYE NANISM; PERHEENTUPA SYNDROME; PERICARDIAL CONSTRICTION AND GROWTH FAILURE. Identifiers: Orphanet 2576, MedGen C0524582, MONDO:0009664, OMIM 253250.

gnomAD v4.1: 7 of 1,614,060 alleles (0.00043%); highest among the groups gnomAD compares: Admixed American, 0.0033%; no homozygotes.

Submission:

St. Jude Molecular Pathology, St. Jude Children's Research Hospital
Classification: Uncertain significance for Mulibrey nanism syndrome. Last evaluated: 2026-02-11. Review status: criteria provided, single submitter. Criteria: St. Jude Assertion Criteria 2020. Collection method: clinical testing. Allele origin: germline.
Comment: The TRIM37 c.1394A>G p.(Asp465Gly) missense change has a maximum subpopulation frequency of 0.003% in gnomAD v2.1.1. The in silico tool REVEL predicts a benign effect on protein function, but to our knowledge this prediction has not been confirmed by functional studies. To our knowledge, this variant has not been reported in individuals with Mulibrey nanism. In summary, the evidence currently available is insufficient to determine the clinical significance of this variant. It has therefore been classified as of uncertain significance.

NM_015294.6(TRIM37):c.1394A>G (p.Asp465Gly)

Gene: TRIM37 (tripartite motif containing 37; minus strand). Cytogenetic location: 17q22.
Variant type: single nucleotide variant.
Coding change: c.1394A>G on transcript NM_015294.6 (MANE Select); coding-DNA position 1394, A replaced by G.
Protein change: p.Asp465Gly; replaces aspartic acid 465 with glycine.
Molecular consequence: missense variant. On other transcripts: non-coding transcript variant (2).
Genome position (GRCh38, 1-based): chr17:59,049,314, T>C on the plus strand (A>G on the coding strand, the complement: TRIM37 is on the minus strand). VCF-style: chr17-59049314-T-C. GRCh37 (hg19) VCF-style: chr17-57126675-T-C.
Other names: c.659A>G, p.Asp220Gly (NM_001353083.2); c.1394A>G, p.Asp465Gly (NM_001353084.2, NM_001005207.5, NM_001320988.3 and 1 more transcripts); c.1028A>G, p.Asp343Gly (NM_001320990.3); c.1292A>G, p.Asp431Gly (NM_001353082.2, NM_001320987.3); c.932A>G, p.Asp311Gly (NM_001353085.2); c.1343A>G, p.Asp448Gly (NM_001353086.2); short protein forms D220G, D311G, D343G, D431G, D448G, D465G.
Identifiers: ClinVar variation 4813143 (VCV004813143.1).
Genomic context (GRCh38, chr17:59,049,314, plus strand): 5'-CCACCTTCGAGAAGCATGTCAGAGCATGCAGACTTCTTAGCTCGTGTCTCCAGAGCATCA[T>C]CATTTTGGGGGCTAAGATGGTTATCTGGTGGTGACAAATCTCTTGACTTCTGAGTTCGAG-3'
Protein context (NP_056109.1, residues 455-475): PPDNHLSPQN[Asp465Gly]DALETRAKKS